The following is an entry in ClinVar:

ClinVar aggregate classification (germline): Benign/Likely benign. Review status: criteria provided, multiple submitters, no conflicts (2 of 4 stars). 16 submissions from 16 submitters: Benign (15); Likely benign (1). Last evaluated 2026-06-25.

Conditions:
Retinoblastoma (RB1). Also called: RETINOBLASTOMA, SOMATIC. Identifiers: Orphanet 790, MedGen C0035335, MeSH D012175, MONDO:0008380, OMIM 180200, HP:0009919. Disease mechanism: loss of function. Inheritance: Both sporadic and heritable forms are tested..
Hereditary retinoblastoma. Identifiers: Orphanet 357027, MedGen C0751483, MONDO:0018160.

Allele frequency attached by ClinVar (database versions not stated): 1000 Genomes Project 30x 0.18863; 1000 Genomes Project 0.18870; TOPMed 0.19198; ESP Exome Variant Server 0.19547; gnomAD 0.19833 and 0.20104; gnomAD exomes 0.23735 and 0.24984; ExAC 0.26032.
gnomAD v4.1: 391,349 of 1,598,702 alleles (24%); highest among the groups gnomAD compares: South Asian, 26%; 49,794 homozygotes.

Submissions (19):

Myriad Genetics, Inc.
Classification: Benign for Retinoblastoma. Last evaluated: 2026-06-25. Review status: criteria provided, single submitter. Criteria: Myriad Autosomal Dominant, Autosomal Recessive and X-Linked Classification Criteria (2023). Collection method: clinical testing. Allele origin: unknown.
Comment: This variant is considered benign. This variant is intronic and is not expected to impact mRNA splicing. This variant has been observed at a population frequency that is significantly greater than expected given the associated disease prevalence and penetrance.

Labcorp Genetics (formerly Invitae), Labcorp
Classification: Benign for Retinoblastoma. Last evaluated: 2026-02-04. Review status: criteria provided, single submitter. Criteria: Invitae Variant Classification Sherloc (09022015). Collection method: clinical testing. Allele origin: germline.

Ramesar Group, Division of Human Genetics, Institute of Infectious Diseases and Molecular Medicine, UCT/MRC Genomic and Precision Medicine Research Unit, University of Cape Town
Classification: Benign for Hereditary retinoblastoma. Last evaluated: 2025-09-17. Review status: criteria provided, single submitter. Criteria: ACMG Guidelines, 2015. Collection method: research. Allele origin: germline. Affected: no.
Comment: RB1 is not associated with the phenotype BP6 - Reported as benign in ClinVar BP7 - A non-coding variant with no predicted effect on splicing (SpliceAI scores are negligible)

Blueprint Genetics
Classification: Likely benign. Last evaluated: 2024-11-27. Review status: criteria provided, single submitter. Criteria: ACMG Guidelines, 2015. Collection method: clinical testing. Allele origin: germline.

All of Us Research Program, National Institutes of Health
Classification: Benign for Retinoblastoma. Last evaluated: 2024-10-03. Review status: criteria provided, single submitter. Criteria: ACMG Guidelines, 2015. Collection method: clinical testing. Allele origin: germline. Inheritance: Autosomal dominant inheritance. Observed: 58,171 variant alleles, 50,267 heterozygotes, 7,891 homozygotes, 13 hemizygotes.
Comment: This study involves interpretation of variants in research participants for the purpose of population health screening. Participant phenotype was not available at the time of variant classification. Additional details can be found in publication PMID: 35346344, PMCID: PMC8962531

KCCC/NGS Laboratory, Kuwait Cancer Control Center
Classification: Benign for Retinoblastoma. Last evaluated: 2023-07-07. Review status: criteria provided, single submitter. Criteria: ACMG Guidelines, 2015. Collection method: clinical testing. Allele origin: germline. Affected: yes.

Color Diagnostics, LLC DBA Color Health
Classification: Benign for Retinoblastoma. Last evaluated: 2022-05-12. Review status: criteria provided, single submitter. Criteria: ACMG Guidelines, 2015. Collection method: clinical testing. Allele origin: germline.

Mayo Clinic Laboratories, Mayo Clinic
Classification: Benign. Last evaluated: 2022-03-03. Review status: criteria provided, single submitter. Criteria: ACMG Guidelines, 2015. Collection method: clinical testing. Allele origin: germline. Observed: 111 variant alleles.

Genome-Nilou Lab
Classification: Benign for Retinoblastoma. Last evaluated: 2021-11-07. Review status: criteria provided, single submitter. Criteria: ACMG Guidelines, 2015. Collection method: clinical testing. Allele origin: germline. Affected: no.

Illumina Laboratory Services, Illumina
Classification: Benign for Retinoblastoma. Last evaluated: 2018-01-13. Review status: criteria provided, single submitter. Criteria: ICSL Variant Classification Criteria 13 December 2019. Collection method: clinical testing. Allele origin: germline.
Comment: This variant was observed in the ICSL laboratory as part of a predisposition screen in an ostensibly healthy population. It had not been previously curated by ICSL or reported in the Human Gene Mutation Database (HGMD: prior to June 1st, 2018), and was therefore a candidate for classification through an automated scoring system. Utilizing variant allele frequency, disease prevalence and penetrance estimates, and inheritance mode, an automated score was calculated to assess if this variant is too frequent to cause the disease. Based on the score and internal cut-off values, a variant classified as benign is not then subjected to further curation. The score for this variant resulted in a classification of benign for this disease.

Women's Health and Genetics/Laboratory Corporation of America, LabCorp
Classification: Benign. Last evaluated: 2016-05-25. Review status: criteria provided, single submitter. Criteria: LabCorp Variant Classification Summary - May 2015. Collection method: clinical testing. Allele origin: germline.
Comment: Variant summary: The RB1 c.2664-10T>A variant involves the alteration of a non-conserved intronic nucleotide with 4/5 splice prediction tools predict no significant impact on splicing and the creation of a ESE binding site, although these predictions have yet to be functionally assessed. The variant of interest was observed in the large, broad control population, ExAC, with an allele frequency of 28338/108858 (3633 homozygotes, 1/3, frequency: 0.2603208), which significantly exceeds the estimated maximal expected allele frequency for a pathogenic RB1 variant of 1/23980 (0.0000417), suggesting this variant is likely a benign polymorphism. In addition, a reputable clinical laboratory cites the variant as "benign." Taken together and based on the high allele frequency in the general population, the variant of interest is classified as Benign.

Laboratory for Molecular Medicine, Mass General Brigham Personalized Medicine
Classification: Benign. Last evaluated: 2016-03-28. Review status: criteria provided, single submitter. Criteria: LMM Criteria. Collection method: clinical testing. Allele origin: germline.
Comment: Variant identified in a genome or exome case(s) and assessed due to predicted null impact of the variant or pathogenic assertions in the literature or databases. Disclaimer: This variant has not undergone full assessment. The following are preliminary notes: Frequency

GeneDx
Classification: Benign. Last evaluated: 2016-03-03. Review status: criteria provided, single submitter. Criteria: GeneDx Variant Classification (06012015). Collection method: clinical testing. Allele origin: germline. Affected: yes.
Comment: This variant is considered likely benign or benign based on one or more of the following criteria: it is a conservative change, it occurs at a poorly conserved position in the protein, it is predicted to be benign by multiple in silico algorithms, and/or has population frequency not consistent with disease.

Eurofins Ntd Llc (ga)
Classification: Benign. Last evaluated: 2015-07-14. Review status: criteria provided, single submitter. Criteria: EGL Classification Definitions 2015. Collection method: clinical testing. Allele origin: germline. Observed: 20 variant alleles, 18 heterozygotes, 2 homozygotes.

Breakthrough Genomics
Classification: Benign. Review status: criteria provided, single submitter. Criteria: ACMG Guidelines, 2015. Collection method: not provided. Allele origin: germline. Inheritance: Autosomal dominant inheritance. Affected: yes.

PreventionGenetics, part of Exact Sciences
Classification: Benign. Review status: criteria provided, single submitter. Criteria: ACMG Guidelines, 2015. Collection method: clinical testing. Allele origin: germline.

Dr. Peter K. Rogan Lab, Western University
No classification provided (evidence only). Condition: Hepatocellular carcinoma. Review status: no classification provided. Collection method: in vitro. Allele origin: not applicable. Functional consequence: retained intron. Not counted in ClinVar's aggregate classification.

Dr. Peter K. Rogan Lab, Western University
No classification provided (evidence only). Condition: Uterine carcinosarcoma. Review status: no classification provided. Collection method: in vitro. Allele origin: not applicable. Functional consequence: retained intron. Not counted in ClinVar's aggregate classification.

Dr. Peter K. Rogan Lab, Western University
No classification provided (evidence only). Condition: Uterine carcinosarcoma. Review status: no classification provided. Collection method: in vitro. Allele origin: not applicable. Functional consequence: retained intron. Not counted in ClinVar's aggregate classification.

NM_000321.3(RB1):c.2664-10T>A

Gene: RB1 (RB transcriptional corepressor 1; plus strand). Cytogenetic location: 13q14.2.
Variant type: single nucleotide variant.
Coding change: c.2664-10T>A on transcript NM_000321.3 (MANE Select); 10 bases into the intron before coding-DNA position 2664, T replaced by A.
Molecular consequence: intron variant.
Genome position (GRCh38, 1-based): chr13:48,477,345, T>A. VCF-style: chr13-48477345-T-A. GRCh37 (hg19) VCF-style: chr13-49051481-T-A.
Other names: p.?.
Identifiers: ClinVar variation 92843 (VCV000092843.32), dbSNP rs3092904, ClinGen allele CA026446.